The following is an entry in ClinVar:

NM_002296.4(LBR):c.112A>G (p.Thr38Ala)

Gene: LBR (lamin B receptor; minus strand). Cytogenetic location: 1q42.12.
Variant type: single nucleotide variant.
Coding change: c.112A>G on transcript NM_002296.4 (MANE Select); coding-DNA position 112, A replaced by G.
Protein change: p.Thr38Ala; replaces threonine 38 with alanine.
Molecular consequence: missense variant.
Genome position (GRCh38, 1-based): chr1:225,423,964, T>C on the plus strand (A>G on the coding strand, the complement: LBR is on the minus strand). VCF-style: chr1-225423964-T-C. GRCh37 (hg19) VCF-style: chr1-225611666-T-C.
Other names: c.112A>G, p.Thr38Ala (NM_194442.3); short protein forms T38A.
Identifiers: ClinVar variation 4708261 (VCV004708261.1).

ClinVar aggregate classification (germline): Uncertain significance (1 of 4 stars; one submission).

gnomAD v4.1: 3 of 1,613,832 alleles (0.00019%); highest among the groups gnomAD compares: Non-Finnish European, 0.00025%; no homozygotes.

Submission:

Labcorp Genetics (formerly Invitae), Labcorp
Classification: Uncertain significance. Last evaluated: 2025-07-31. Review status: criteria provided, single submitter. Criteria: Invitae Variant Classification Sherloc (09022015). Collection method: clinical testing. Allele origin: germline.
Comment: This sequence change replaces threonine, which is neutral and polar, with alanine, which is neutral and non-polar, at codon 38 of the LBR protein (p.Thr38Ala). This variant is not present in population databases (gnomAD no frequency). This variant has not been reported in the literature in individuals affected with LBR-related conditions. Invitae Evidence Modeling of protein sequence and biophysical properties (such as structural, functional, and spatial information, amino acid conservation, physicochemical variation, residue mobility, and thermodynamic stability) has been performed for this missense variant. However, the output from this modeling did not meet the statistical confidence thresholds required to predict the impact of this variant on LBR protein function. In summary, the available evidence is currently insufficient to determine the role of this variant in disease. Therefore, it has been classified as a Variant of Uncertain Significance.